The following is an entry in ClinVar:

NM_001017420.3(ESCO2):c.273_283del (p.Trp92fs)

Gene: ESCO2 (establishment of sister chromatid cohesion N-acetyltransferase 2; plus strand). Cytogenetic location: 8p21.1.
Variant type: Deletion.
Coding change: c.273_283del on transcript NM_001017420.3 (MANE Select); coding-DNA positions 273 to 283, 11 bases deleted (GTGGTACCTCA).
Protein change: p.Trp92fs; shifts the reading frame from tryptophan 92.
Molecular consequence: frameshift variant.
Genome position (GRCh38, 1-based): chr8:27,776,581-27,776,591, GTGGTACCTCA deleted; deleting any 11 consecutive bases within chr8:27,776,580-27,776,591 gives the same sequence; the c. name uses the placement nearest the transcript's 3' end. VCF-style (leftmost placement, unchanged base first): chr8-27776579-AAGTGGTACCTC-A. GRCh37 (hg19) VCF-style: chr8-27634096-AAGTGGTACCTC-A.
Other names: short protein forms W92fs.
Identifiers: ClinVar variation 1383622 (VCV001383622.6), dbSNP rs2128951089, ClinGen allele CA2573142788.

ClinVar aggregate classification (germline): Pathogenic (1 of 4 stars; one submission).

Submission:

Labcorp Genetics (formerly Invitae), Labcorp
Classification: Pathogenic. Last evaluated: 2021-09-18. Review status: criteria provided, single submitter. Criteria: Invitae Variant Classification Sherloc (09022015). Collection method: clinical testing. Allele origin: germline.
Comment: This variant has not been reported in the literature in individuals affected with ESCO2-related conditions. For these reasons, this variant has been classified as Pathogenic. This variant is not present in population databases (ExAC no frequency). This sequence change creates a premature translational stop signal (p.Trp92Serfs*11) in the ESCO2 gene. It is expected to result in an absent or disrupted protein product. Loss-of-function variants in ESCO2 are known to be pathogenic (PMID: 15821733, 16380922).

Literature cited by the submitters: PubMed 15821733; PubMed 16380922.